The following is an entry in ClinVar:

ClinVar aggregate classification (germline): Pathogenic (1 of 4 stars; one submission).

Allele frequency attached by ClinVar (database versions not stated): gnomAD exomes below 0.00001; ExAC 0.00001; gnomAD 0.00001; TOPMed 0.00002; ESP Exome Variant Server 0.00010.

Submission:

Labcorp Genetics (formerly Invitae), Labcorp
Classification: Pathogenic. Last evaluated: 2024-03-07. Review status: criteria provided, single submitter. Criteria: Invitae Variant Classification Sherloc (09022015). Collection method: clinical testing. Allele origin: germline.
Comment: This sequence change creates a premature translational stop signal (p.Arg562Profs*67) in the SKIV2L gene. It is expected to result in an absent or disrupted protein product. Loss-of-function variants in SKIV2L are known to be pathogenic (PMID: 22444670). This variant is not present in population databases (gnomAD no frequency). This variant has not been reported in the literature in individuals affected with SKIV2L-related conditions. For these reasons, this variant has been classified as Pathogenic.

Literature cited by the submitters: PubMed 22444670.

NM_006929.5(SKIC2):c.1685del (p.Arg562fs)

Gene: SKIC2 (SKI2 subunit of superkiller complex; plus strand). Cytogenetic location: 6p21.33.
Variant type: Deletion.
Coding change: c.1685del on transcript NM_006929.5 (MANE Select); coding-DNA position 1685, one base deleted (G; older notation c.1685delG).
Protein change: p.Arg562fs; shifts the reading frame from arginine 562.
Molecular consequence: frameshift variant.
Genome position (GRCh38, 1-based): chr6:31,963,950, G deleted. VCF-style (leftmost placement, unchanged base first): chr6-31963949-CG-C. GRCh37 (hg19) VCF-style: chr6-31931726-CG-C.
Other names: short protein forms R562fs.
Identifiers: ClinVar variation 2892294 (VCV002892294.3), dbSNP rs755457576, ClinGen allele CA3729555.
Genomic context (GRCh38, chr6:31,963,949, plus strand): 5'-TTCCCCTTCCCCTTCCTTCTCCAGGACCGCGGAGTGTACCTGTCCCTCCTGGCCTCCCTC[CG>C]CACACGTGCCCAGTTGCCCGTGGTGGTGTTCACCTTCTCCCGGGGCCGCTGTGATGAGCA-3'